The following is an entry in ClinVar:

ClinVar aggregate classification (germline): Uncertain significance. Review status: criteria provided, multiple submitters, no conflicts (2 of 4 stars). 2 submissions from 2 submitters: Uncertain significance (2). Last evaluated 2025-02-06.

Conditions:
Inborn genetic diseases. Identifiers: MedGen C0950123, MeSH D030342.

gnomAD v4.1: 14 of 1,613,806 alleles (0.00087%); highest among the groups gnomAD compares: East Asian, 0.0022%; no homozygotes.

Submissions (2):

Ambry Genetics
Classification: Uncertain significance for Inborn genetic diseases. Last evaluated: 2025-02-06. Review status: criteria provided, single submitter. Criteria: Ambry Variant Classification Scheme 2023. Collection method: clinical testing. Allele origin: germline.

Labcorp Genetics (formerly Invitae), Labcorp
Classification: Uncertain significance. Last evaluated: 2024-06-09. Review status: criteria provided, single submitter. Criteria: Invitae Variant Classification Sherloc (09022015). Collection method: clinical testing. Allele origin: germline.
Comment: This sequence change replaces arginine, which is basic and polar, with tryptophan, which is neutral and slightly polar, at codon 31 of the DYRK1B protein (p.Arg31Trp). This variant is present in population databases (rs199710767, gnomAD 0.005%). This variant has not been reported in the literature in individuals affected with DYRK1B-related conditions. Advanced modeling of protein sequence and biophysical properties (such as structural, functional, and spatial information, amino acid conservation, physicochemical variation, residue mobility, and thermodynamic stability) performed at Invitae indicates that this missense variant is not expected to disrupt DYRK1B protein function with a negative predictive value of 95%. In summary, the available evidence is currently insufficient to determine the role of this variant in disease. Therefore, it has been classified as a Variant of Uncertain Significance.

NM_004714.3(DYRK1B):c.91C>T (p.Arg31Trp)

Gene: DYRK1B (dual specificity tyrosine phosphorylation regulated kinase 1B; minus strand). Cytogenetic location: 19q13.2.
Variant type: single nucleotide variant.
Coding change: c.91C>T on transcript NM_004714.3 (MANE Select); coding-DNA position 91, C replaced by T.
Protein change: p.Arg31Trp; replaces arginine 31 with tryptophan.
Molecular consequence: missense variant.
Genome position (GRCh38, 1-based): chr19:39,830,756, G>A on the plus strand (C>T on the coding strand, the complement: DYRK1B is on the minus strand). VCF-style: chr19-39830756-G-A. GRCh37 (hg19) VCF-style: chr19-40321396-G-A.
Other names: c.91C>T (NM_004714.1); c.91C>T, p.Arg31Trp (NM_006483.3, NM_006484.3); short protein forms R31W.
Identifiers: ClinVar variation 3681598 (VCV003681598.3).